The following is an entry in ClinVar:

NM_014417.5(BBC3):c.*23C>T

Gene: BBC3 (BCL2 binding component 3; minus strand). Cytogenetic location: 19q13.32.
Variant type: single nucleotide variant.
Coding change: c.*23C>T on transcript NM_014417.5 (MANE Select); 23 bases downstream of the stop codon, C replaced by T.
Molecular consequence: 3 prime UTR variant. On other transcripts: synonymous variant (2).
Genome position (GRCh38, 1-based): chr19:47,221,779, G>A on the plus strand (C>T on the coding strand, the complement: BBC3 is on the minus strand). VCF-style: chr19-47221779-G-A. GRCh37 (hg19) VCF-style: chr19-47725036-G-A.
Other names: c.708C>T, p.Asp236= (NM_001127240.3); c.*23C>T (NM_001127241.3); c.228C>T, p.Asp76= (NM_001127242.3).
Identifiers: ClinVar variation 770466 (VCV000770466.28), dbSNP rs202031784, ClinGen allele CA9536129.
Genomic context (GRCh38, chr19:47,221,779, plus strand): 5'-GTCCCCCGCGCTGGCCAGGGTGTCAGGAGGTGGGAGGGGCCTGCCCCCCGAGTCCCTGAC[G>A]TCCACCGGGCGGGTGCAGGCACCTAATTGGGCTCCATCTCGGGGGCTCTGTGGCCCCTGG-3'

ClinVar aggregate classification (germline): Benign/Likely benign. Review status: criteria provided, multiple submitters, no conflicts (2 of 4 stars). 3 submissions from 3 submitters: Benign (2); Likely benign (1). Last evaluated 2023-01-01.

Allele frequency attached by ClinVar (database versions not stated): 1000 Genomes Project 0.00120; 1000 Genomes Project 30x 0.00156; gnomAD exomes 0.00572; gnomAD 0.00603 and 0.00671; TOPMed 0.00618; ExAC 0.00635; ESP Exome Variant Server 0.00646.
gnomAD v4.1: 13,104 of 1,608,400 alleles (0.81%); highest among the groups gnomAD compares: Non-Finnish European, 0.97%; 73 homozygotes.

Submissions (3):

CeGaT Center for Human Genetics Tuebingen
Classification: Likely benign. Last evaluated: 2023-01-01. Review status: criteria provided, single submitter. Criteria: CeGaT Center For Human Genetics Tuebingen Variant Classification Criteria Version 2. Collection method: clinical testing. Allele origin: germline. Affected: yes. Observed: 1 variant allele.
Comment: BBC3: BP4, BS2

Labcorp Genetics (formerly Invitae), Labcorp
Classification: Benign. Last evaluated: 2018-07-20. Review status: criteria provided, single submitter. Criteria: Invitae Variant Classification Sherloc (09022015). Collection method: clinical testing. Allele origin: germline.

Breakthrough Genomics
Classification: Benign. Review status: criteria provided, single submitter. Criteria: ACMG Guidelines, 2015. Collection method: not provided. Allele origin: germline. Inheritance: Unknown mechanism. Affected: yes.